The following is an entry in ClinVar:

ClinVar aggregate classification (germline): Likely pathogenic. Review status: criteria provided, multiple submitters, no conflicts (2 of 4 stars). 4 submissions from 4 submitters: Likely pathogenic (3). 1 of the submissions does not count toward it. Last evaluated 2026-07-07.

Conditions:
Inborn genetic diseases. Identifiers: MedGen C0950123, MeSH D030342.
Cystinuria (CSNU). Also called: CYSTINURIA, TYPE I; CYSTINURIA, TYPE II; CYSTINURIA, TYPE III; Cystinuria, non-type I. Identifiers: Orphanet 214, MedGen C0010691, MONDO:0009067, OMIM 220100, HP:0003131.

Allele frequency attached by ClinVar (database versions not stated): gnomAD below 0.00001 and 0.00001; gnomAD exomes 0.00001 and 0.00002; TOPMed 0.00001; ExAC 0.00001.
gnomAD v4.1: 11 of 1,613,954 alleles (0.00068%); highest among the groups gnomAD compares: South Asian, 0.0011%; no homozygotes.

Submissions (4):

Ambry Genetics
Classification: Likely pathogenic for Inborn genetic diseases. Last evaluated: 2026-07-07. Review status: criteria provided, single submitter. Criteria: Ambry Variant Classification Scheme 2023. Collection method: clinical testing. Allele origin: germline.
Comment: The c.775G>A (p.G259R) alteration is located in exon 8 (coding exon 7) of the SLC7A9 gene. This alteration results from a G to A substitution at nucleotide position 775, causing the glycine (G) at amino acid position 259 to be replaced by an arginine (R). Based on data from gnomAD, the A allele has an overall frequency of 0.001% (2/251260) total alleles studied. The highest observed frequency was 0.002% (2/113626) of European (non-Finnish) alleles. This variant has been identified in the homozygous state and/or in conjunction with other SLC7A9 variant(s) in individual(s) with features consistent with Cystinuria; in at least one instance, the variants were confirmed biallelic (Feliubadal&oacute;, 1999; Mansilla, 2021; Anderegg, 2024). This amino acid position is well conserved in available vertebrate species. This alteration is predicted to be deleterious by in silico analysis. Based on the available evidence, this alteration is classified as likely pathogenic.

Fulgent Genetics
Classification: Likely pathogenic for Cystinuria. Last evaluated: 2024-03-29. Review status: criteria provided, single submitter. Criteria: ACMG Guidelines, 2015. Collection method: clinical testing. Allele origin: germline.

Labcorp Genetics (formerly Invitae), Labcorp
Classification: Likely pathogenic. Last evaluated: 2019-08-09. Review status: criteria provided, single submitter. Criteria: Invitae Variant Classification Sherloc (09022015). Collection method: clinical testing. Allele origin: germline.
Comment: This sequence change replaces glycine with arginine at codon 259 of the SLC7A9 protein (p.Gly259Arg). The glycine residue is highly conserved and there is a moderate physicochemical difference between glycine and arginine. This variant is present in population databases (rs121908483, ExAC 0.002%). In summary, the currently available evidence indicates that the variant is pathogenic, but additional data are needed to prove that conclusively. Therefore, this variant has been classified as Likely Pathogenic. Algorithms developed to predict the effect of sequence changes on RNA splicing suggest that this variant may create or strengthen a splice site, but this prediction has not been confirmed by published transcriptional studies. Algorithms developed to predict the effect of missense changes on protein structure and function (SIFT, PolyPhen-2, Align-GVGD) all suggest that this variant is likely to be disruptive, but these predictions have not been confirmed by published functional studies and their clinical significance is uncertain. This variant has been observed in individuals affected with cystinuria (PMID: 10471498, 19782624, Invitae). In at least one individual the data is consistent with the variant being in trans (on the opposite chromosome) from a pathogenic variant. ClinVar contains an entry for this variant (Variation ID: 5784).

OMIM
Classification: Pathogenic for CYSTINURIA. Last evaluated: 1999-09-01. Review status: no assertion criteria provided. Collection method: literature only. Allele origin: germline. Not counted in ClinVar's aggregate classification.

Literature cited by the submitters: PubMed 10471498 (cited by 3 submitters); PubMed 31738409 (cited by Ambry Genetics); PubMed 38544324 (cited by Ambry Genetics); PubMed 19782624 (cited by Labcorp Genetics (formerly Invitae), Labcorp).

NM_014270.5(SLC7A9):c.775G>A (p.Gly259Arg)

Gene: SLC7A9 (solute carrier family 7 member 9; minus strand). Cytogenetic location: 19q13.11.
Variant type: single nucleotide variant.
Coding change: c.775G>A on transcript NM_014270.5 (MANE Select); coding-DNA position 775, G replaced by A.
Protein change: p.Gly259Arg; replaces glycine 259 with arginine.
Molecular consequence: missense variant.
Genome position (GRCh38, 1-based): chr19:32,859,939, C>T on the plus strand (G>A on the coding strand, the complement: SLC7A9 is on the minus strand). VCF-style: chr19-32859939-C-T. GRCh37 (hg19) VCF-style: chr19-33350845-C-T.
Other names: c.775G>A, p.Gly259Arg (NM_001126335.2, NM_001243036.2); short protein forms G259R.
Identifiers: ClinVar variation 5784 (VCV000005784.13), dbSNP rs121908483, ClinGen allele CA117727.